The following is an entry in ClinVar:

ClinVar aggregate classification (germline): Uncertain significance (1 of 4 stars; one submission).

Submission:

Ambry Genetics
Classification: Uncertain significance. Last evaluated: 2021-12-10. Review status: criteria provided, single submitter. Criteria: Ambry Variant Classification Scheme 2023. Collection method: clinical testing. Allele origin: germline.
Comment: The p.L1107I variant (also known as c.3319T>A), located in coding exon 17 of the NPAT gene, results from a T to A substitution at nucleotide position 3319. The leucine at codon 1107 is replaced by isoleucine, an amino acid with highly similar properties. This amino acid position is conserved. In addition, this alteration is predicted to be tolerated by in silico analysis. Since supporting evidence is limited at this time, the clinical significance of this alteration remains unclear.

NM_002519.3(NPAT):c.3319T>A (p.Leu1107Ile)

Gene: NPAT (nuclear protein, coactivator of histone transcription; minus strand). Cytogenetic location: 11q22.3.
Variant type: single nucleotide variant.
Coding change: c.3319T>A on transcript NM_002519.3 (MANE Select); coding-DNA position 3319, T replaced by A.
Protein change: p.Leu1107Ile; replaces leucine 1107 with isoleucine.
Molecular consequence: missense variant.
Genome position (GRCh38, 1-based): chr11:108,161,767, A>T on the plus strand (T>A on the coding strand, the complement: NPAT is on the minus strand). VCF-style: chr11-108161767-A-T. GRCh37 (hg19) VCF-style: chr11-108032494-A-T.
Other names: c.3340T>A, p.Leu1114Ile (NM_001321307.1); short protein forms L1114I, L1107I.
Identifiers: ClinVar variation 1730168 (VCV001730168.2), dbSNP rs2496696495, ClinGen allele CA382511072.